The following is an entry in ClinVar:

NM_000135.4(FANCA):c.3014A>C (p.Asp1005Ala)

Gene: FANCA (FA complementation group A; minus strand). Cytogenetic location: 16q24.3.
Variant type: single nucleotide variant.
Coding change: c.3014A>C on transcript NM_000135.4 (MANE Select); coding-DNA position 3014, A replaced by C.
Protein change: p.Asp1005Ala; replaces aspartic acid 1005 with alanine.
Molecular consequence: missense variant.
Genome position (GRCh38, 1-based): chr16:89,752,190, T>G on the plus strand (A>C on the coding strand, the complement: FANCA is on the minus strand). VCF-style: chr16-89752190-T-G. GRCh37 (hg19) VCF-style: chr16-89818598-T-G.
Other names: c.3014A>C, p.Asp1005Ala (NM_001286167.3); short protein forms D1005A.
Identifiers: ClinVar variation 3572394 (VCV003572394.1).

ClinVar aggregate classification (germline): Uncertain significance (1 of 4 stars; one submission).

Submission:

Quest Diagnostics Nichols Institute San Juan Capistrano
Classification: Uncertain significance. Last evaluated: 2024-11-18. Review status: criteria provided, single submitter. Criteria: Quest Diagnostics criteria. Collection method: clinical testing. Allele origin: unknown.
Comment: The FANCA c.3014A>C (p.Asp1005Ala) variant has not been reported in individuals with FANCA-related conditions in the published literature. It also has not been reported in large, multi-ethnic general populations (Genome Aggregation Database). Analysis of this variant using bioinformatics tools for the prediction of the effect of amino acid changes on protein structure and function yielded predictions that this variant is benign. Based on the available information, we are unable to determine the clinical significance of this variant.